The following is an entry in ClinVar:

NM_024675.4(PALB2):c.840del (p.Asn280fs)

Gene: PALB2 (partner and localizer of BRCA2; minus strand). Cytogenetic location: 16p12.2.
Variant type: Deletion.
Coding change: c.840del on transcript NM_024675.4 (MANE Select); coding-DNA position 840, one base deleted (C; older notation c.840delC).
Protein change: p.Asn280fs; shifts the reading frame from asparagine 280.
Molecular consequence: frameshift variant.
Genome position (GRCh38, 1-based): chr16:23,635,706, G deleted on the plus strand (C on the coding strand, the reverse complement: PALB2 is on the minus strand). VCF-style (leftmost placement, unchanged base first): chr16-23635705-TG-T. GRCh37 (hg19) VCF-style: chr16-23647026-TG-T.
Other names: short protein forms N280fs.
Identifiers: ClinVar variation 822391 (VCV000822391.5), dbSNP rs1597098094, ClinGen allele CA915949211.

ClinVar aggregate classification (germline): Pathogenic (1 of 4 stars; one submission).

Conditions:
Hereditary cancer-predisposing syndrome. Also called: Tumor predisposition; Hereditary Cancer Syndrome; Neoplastic Syndromes, Hereditary; Hereditary neoplastic syndrome. Identifiers: Orphanet 140162, MedGen C0027672, MeSH D009386, MONDO:0015356.

Submission:

Ambry Genetics
Classification: Pathogenic for Hereditary cancer-predisposing syndrome. Last evaluated: 2023-06-22. Review status: criteria provided, single submitter. Criteria: Ambry Variant Classification Scheme 2023. Collection method: clinical testing. Allele origin: germline.
Comment: The c.840delC pathogenic mutation, located in coding exon 4 of the PALB2 gene, results from a deletion of one nucleotide at nucleotide position 840, causing a translational frameshift with a predicted alternate stop codon (p.N280Kfs*8). This alteration is expected to result in loss of function by premature protein truncation or nonsense-mediated mRNA decay. As such, this alteration is interpreted as a disease-causing mutation.